The following is an entry in ClinVar:

NM_001355436.2(SPTB):c.1261G>T (p.Glu421Ter)

Gene: SPTB (spectrin beta, erythrocytic; minus strand). Cytogenetic location: 14q23.3.
Variant type: single nucleotide variant.
Coding change: c.1261G>T on transcript NM_001355436.2 (MANE Select); coding-DNA position 1261, G replaced by T.
Protein change: p.Glu421Ter; replaces glutamic acid 421 with a stop codon.
Molecular consequence: nonsense.
Genome position (GRCh38, 1-based): chr14:64,796,637, C>A on the plus strand (G>T on the coding strand, the complement: SPTB is on the minus strand). VCF-style: chr14-64796637-C-A. GRCh37 (hg19) VCF-style: chr14-65263355-C-A.
Other names: c.1261G>T, p.Glu421Ter (NM_001024858.4, NM_001355437.2); short protein forms E421*.
Identifiers: ClinVar variation 4851985 (VCV004851985.1).

ClinVar aggregate classification (germline): Pathogenic (1 of 4 stars; one submission).

Submission:

Dasa
Classification: Pathogenic. Last evaluated: 2026-03-20. Review status: criteria provided, single submitter. Criteria: DASA Assertion Criteria. Collection method: clinical testing. Allele origin: germline.
Comment: NM_001355436.2(SPTB):c.1261G>T (p.Glu421*) introduces a premature termination codon predicted to result in loss of normal protein function. Loss-of-function is an established mechanism of disease for this gene. This variant has been reported in individuals with related phenotype (PMID: 39995895). The variant is present at low frequency in population datasets. Based on the available data, this variant is classified as pathogenic.

Literature cited by the submitters: PubMed 39995895.